The following is an entry in ClinVar:

ClinVar aggregate classification (germline): Uncertain significance (1 of 4 stars; one submission).

Conditions:
Familial thoracic aortic aneurysm and aortic dissection (TAAD). Also called: Thoracic aortic aneurysms and dissections. Identifiers: Orphanet 91387, MedGen C4707243, MONDO:0019625.

Submission:

Ambry Genetics
Classification: Uncertain significance for Familial thoracic aortic aneurysm and aortic dissection. Last evaluated: 2022-06-06. Review status: criteria provided, single submitter. Criteria: Ambry Variant Classification Scheme 2023. Collection method: clinical testing. Allele origin: germline.
Comment: The p.F11L variant (also known as c.33C>G), located in coding exon 1 of the SKI gene, results from a C to G substitution at nucleotide position 33. The phenylalanine at codon 11 is replaced by leucine, an amino acid with highly similar properties. This amino acid position is conserved. In addition, the in silico prediction for this alteration is inconclusive. Since supporting evidence is limited at this time, the clinical significance of this alteration remains unclear.

NM_003036.4(SKI):c.33C>G (p.Phe11Leu)

Gene: SKI (SKI proto-oncogene; plus strand). Cytogenetic location: 1p36.33.
Variant type: single nucleotide variant.
Coding change: c.33C>G on transcript NM_003036.4 (MANE Select); coding-DNA position 33, C replaced by G.
Protein change: p.Phe11Leu; replaces phenylalanine 11 with leucine.
Molecular consequence: missense variant.
Genome position (GRCh38, 1-based): chr1:2,228,799, C>G. VCF-style: chr1-2228799-C-G. GRCh37 (hg19) VCF-style: chr1-2160238-C-G.
Other names: short protein forms F11L.
Identifiers: ClinVar variation 1731013 (VCV001731013.2), dbSNP rs1045231306, ClinGen allele CA337951943.